The following is an entry in ClinVar:

ClinVar aggregate classification (germline): Uncertain significance (1 of 4 stars; one submission).

Submission:

ISCA site 14
Classification: Uncertain significance. Last evaluated: 2011-08-12. Review status: criteria provided, single submitter. Criteria: Kaminsky et al. (Genet Med. 2011). Collection method: clinical testing. Allele origin: de novo. Affected: yes. Observed: 1 variant allele.
Comment: Copy number variation identified through the course of routine clinical cytogenomic testing in postnatal populations. Clinical assertions have been curated as described in Kaminsky et al. 2011.

GRCh38/hg38 17q21.31-21.32(chr17:46444520-46990403)x3

Genes: ARL17A (ARF like GTPase 17A; minus strand), FAM215B (family with sequence similarity 215 member B; minus strand), GOSR2 (golgi SNAP receptor complex member 2; plus strand), GOSR2-DT (GOSR2 divergent transcript; minus strand), LINC01974 (long intergenic non-protein coding RNA 1974; minus strand) and 14 more. Cytogenetic location: 17q21.31-21.32.
Variant type: copy number gain.
Change: copy number 3 (three copies instead of two) of chr17:46,444,520-46,990,403 (545.9 kb, GRCh38 coordinates, 1-based), cytogenetic band 17q21.31-21.32.
Identifiers: ClinVar variation 59307 (VCV000059307.1).